The following is an entry in ClinVar:

NM_014727.3(KMT2B):c.950G>C (p.Gly317Ala)

Gene: KMT2B (lysine methyltransferase 2B; plus strand). Cytogenetic location: 19q13.12.
Variant type: single nucleotide variant.
Coding change: c.950G>C on transcript NM_014727.3 (MANE Select); coding-DNA position 950, G replaced by C.
Protein change: p.Gly317Ala; replaces glycine 317 with alanine.
Molecular consequence: missense variant.
Genome position (GRCh38, 1-based): chr19:35,720,297, G>C. VCF-style: chr19-35720297-G-C. GRCh37 (hg19) VCF-style: chr19-36211199-G-C.
Other names: short protein forms G317A.
Identifiers: ClinVar variation 3767437 (VCV003767437.2).
Genomic context (GRCh38, chr19:35,720,297, plus strand): 5'-GAGGTGGTGGGCTCCCCTTTGTGATCAAGTTTGTTTCAAGGGCCAAAAAAGTAAAGATGG[G>C]ACAATTGTCCTTGGGACTCGAATCAGGTCAAGGTCAAGGTCAACATGAGGAAAGTTGGCA-3'
Protein context (NP_055542.1, residues 307-327): FVSRAKKVKM[Gly317Ala]QLSLGLESGQ

ClinVar aggregate classification (germline): Uncertain significance. Review status: criteria provided, multiple submitters, no conflicts (2 of 4 stars). 2 submissions from 2 submitters: Uncertain significance (2). Last evaluated 2025-06-04.

gnomAD v4.1: 1 of 1,613,422 alleles (0.000062%); highest among the groups gnomAD compares: African/African-American, 0.0013%; no homozygotes.

Submissions (2):

Labcorp Genetics (formerly Invitae), Labcorp
Classification: Uncertain significance. Last evaluated: 2025-06-04. Review status: criteria provided, single submitter. Criteria: Invitae Variant Classification Sherloc (09022015). Collection method: clinical testing. Allele origin: germline.
Comment: This sequence change replaces glycine, which is neutral and non-polar, with alanine, which is neutral and non-polar, at codon 317 of the KMT2B protein (p.Gly317Ala). This variant is not present in population databases (gnomAD no frequency). This variant has not been reported in the literature in individuals affected with KMT2B-related conditions. ClinVar contains an entry for this variant (Variation ID: 3767437). Invitae Evidence Modeling of protein sequence and biophysical properties (such as structural, functional, and spatial information, amino acid conservation, physicochemical variation, residue mobility, and thermodynamic stability) indicates that this missense variant is not expected to disrupt KMT2B protein function with a negative predictive value of 80%. In summary, the available evidence is currently insufficient to determine the role of this variant in disease. Therefore, it has been classified as a Variant of Uncertain Significance.

GeneDx
Classification: Uncertain significance. Last evaluated: 2024-09-09. Review status: criteria provided, single submitter. Criteria: GeneDx Variant Classification Process June 2021. Collection method: clinical testing. Allele origin: germline. Affected: yes.
Comment: Not observed at significant frequency in large population cohorts (gnomAD); In silico analysis indicates that this missense variant does not alter protein structure/function; Has not been previously published as pathogenic or benign to our knowledge